The following is an entry in ClinVar:

ClinVar aggregate classification (germline): Uncertain significance (1 of 4 stars; one submission).

Conditions:
Hereditary cancer-predisposing syndrome. Also called: Neoplastic Syndromes, Hereditary; Tumor predisposition; Hereditary neoplastic syndrome; Hereditary Cancer Syndrome. Identifiers: Orphanet 140162, MedGen C0027672, MeSH D009386, MONDO:0015356.

Submission:

Ambry Genetics
Classification: Uncertain significance for Hereditary cancer-predisposing syndrome. Last evaluated: 2024-02-02. Review status: criteria provided, single submitter. Criteria: Ambry Variant Classification Scheme 2023. Collection method: clinical testing. Allele origin: germline.
Comment: The p.S1908Y variant (also known as c.5723C>A), located in coding exon 42 of the POLE gene, results from a C to A substitution at nucleotide position 5723. The serine at codon 1908 is replaced by tyrosine, an amino acid with dissimilar properties. This amino acid position is conserved. In addition, the in silico prediction for this alteration is inconclusive. Based on the available evidence, the clinical significance of this alteration remains unclear.

NM_006231.4(POLE):c.5723C>A (p.Ser1908Tyr)

Gene: POLE (DNA polymerase epsilon, catalytic subunit; minus strand). Cytogenetic location: 12q24.33.
Variant type: single nucleotide variant.
Coding change: c.5723C>A on transcript NM_006231.4 (MANE Select); coding-DNA position 5723, C replaced by A.
Protein change: p.Ser1908Tyr; replaces serine 1908 with tyrosine.
Molecular consequence: missense variant.
Genome position (GRCh38, 1-based): chr12:132,635,980, G>T on the plus strand (C>A on the coding strand, the complement: POLE is on the minus strand). VCF-style: chr12-132635980-G-T. GRCh37 (hg19) VCF-style: chr12-133212566-G-T.
Other names: short protein forms S1908Y.
Identifiers: ClinVar variation 3225489 (VCV003225489.1), dbSNP rs2138486506, ClinGen allele CA387373141.